The following is an entry in ClinVar:

ClinVar aggregate classification (germline): Conflicting classifications of pathogenicity. Review status: criteria provided, conflicting classifications (1 of 4 stars). 4 submissions from 4 submitters: Uncertain significance (1); Likely benign (2). 1 of the submissions does not count toward it. Last evaluated 2025-10-21.

Conditions:
COL4A1-related disorder. Also called: COL4A1-related condition; COL4A1-related disorders. Identifiers: MedGen CN376119, MONDO:0800461.

Allele frequency attached by ClinVar (database versions not stated): gnomAD exomes 0.00002 and 0.00007; gnomAD 0.00003 and 0.00005; TOPMed 0.00003; ExAC 0.00005; 1000 Genomes Project 30x 0.00078; 1000 Genomes Project 0.00080.
gnomAD v4.1: 44 of 1,614,188 alleles (0.0027%); highest among the groups gnomAD compares: East Asian, 0.038%; no homozygotes.

Submissions (4):

Labcorp Genetics (formerly Invitae), Labcorp
Classification: Likely benign. Last evaluated: 2025-10-21. Review status: criteria provided, single submitter. Criteria: Invitae Variant Classification Sherloc (09022015). Collection method: clinical testing. Allele origin: germline.

Women's Health and Genetics/Laboratory Corporation of America, LabCorp
Classification: Uncertain significance. Last evaluated: 2025-08-19. Review status: criteria provided, single submitter. Criteria: LabCorp Variant Classification Summary - May 2015. Collection method: clinical testing. Allele origin: germline.
Comment: Variant summary: COL4A1 c.4706C>T (p.Pro1569Leu) results in a non-conservative amino acid change located in the Collagen IV, non-collagenous domain (IPR001442) of the encoded protein sequence. Algorithms developed to predict the effect of missense changes on protein structure and function are either unavailable or do not agree on the potential impact of this missense change. The variant allele was found at a frequency of 7.2e-05 in 251370 control chromosomes, predominantly at a frequency of 0.00065 within the East Asian subpopulation in the gnomAD database. This frequency is not significantly higher than estimated for a pathogenic variant in COL4A1 causing Porencephaly 1, allowing no conclusion about variant significance. To our knowledge, no occurrence of c.4706C>T in individuals affected with Porencephaly 1 and no experimental evidence demonstrating its impact on protein function have been reported. ClinVar contains an entry for this variant (Variation ID: 1546348). Based on the evidence outlined above, the variant was classified as uncertain significance.

Blueprint Genetics
Classification: Likely benign. Last evaluated: 2023-02-15. Review status: criteria provided, single submitter. Criteria: ACMG Guidelines, 2015. Collection method: clinical testing. Allele origin: germline.

PreventionGenetics, part of Exact Sciences
Classification: Likely benign for COL4A1-related condition. Last evaluated: 2024-06-20. Review status: no assertion criteria provided. Collection method: clinical testing. Allele origin: germline. Not counted in ClinVar's aggregate classification.
Comment: This variant is classified as likely benign based on ACMG/AMP sequence variant interpretation guidelines (Richards et al. 2015 PMID: 25741868, with internal and published modifications).

NM_001845.6(COL4A1):c.4706C>T (p.Pro1569Leu)

Gene: COL4A1 (collagen type IV alpha 1 chain; minus strand). Cytogenetic location: 13q34.
Variant type: single nucleotide variant.
Coding change: c.4706C>T on transcript NM_001845.6 (MANE Select); coding-DNA position 4706, C replaced by T.
Protein change: p.Pro1569Leu; replaces proline 1569 with leucine.
Molecular consequence: missense variant.
Genome position (GRCh38, 1-based): chr13:110,155,332, G>A on the plus strand (C>T on the coding strand, the complement: COL4A1 is on the minus strand). VCF-style: chr13-110155332-G-A. GRCh37 (hg19) VCF-style: chr13-110807679-G-A.
Other names: c.4706C>T (NM_001845.5); short protein forms P1569L.
Identifiers: ClinVar variation 1546348 (VCV001546348.12), dbSNP rs75885959, ClinGen allele CA7046843.